The following is an entry in ClinVar:

NM_004972.4(JAK2):c.1718T>G (p.Leu573Arg)

Genes: INSL6 (insulin like 6; minus strand), JAK2 (Janus kinase 2; plus strand). Cytogenetic location: 9p24.1.
Variant type: single nucleotide variant.
Coding change: c.1718T>G on transcript NM_004972.4 (MANE Select); coding-DNA position 1718, T replaced by G.
Protein change: p.Leu573Arg; replaces leucine 573 with arginine.
Molecular consequence: missense variant. On other transcripts: non-coding transcript variant (2).
Genome position (GRCh38, 1-based): chr9:5,072,568, T>G. VCF-style: chr9-5072568-T-G. GRCh37 (hg19) VCF-style: chr9-5072568-T-G.
Other names: c.1718T>G, p.Leu573Arg (NM_001322194.2, NM_001322195.2, NM_001322196.2); c.503T>G, p.Leu168Arg (NM_001322198.2, NM_001322199.2); c.1271T>G, p.Leu424Arg (NM_001322204.2); short protein forms L424R, L573R, L168R.
Identifiers: ClinVar variation 4741503 (VCV004741503.1).

ClinVar aggregate classification (germline): Uncertain significance (1 of 4 stars; one submission).

gnomAD v4.1: 1 of 1,611,462 alleles (0.000062%); highest among the groups gnomAD compares: South Asian, 0.0011%; no homozygotes.

Submission:

Labcorp Genetics (formerly Invitae), Labcorp
Classification: Uncertain significance. Last evaluated: 2025-11-23. Review status: criteria provided, single submitter. Criteria: Invitae Variant Classification Sherloc (09022015). Collection method: clinical testing. Allele origin: germline.
Comment: This sequence change replaces leucine, which is neutral and non-polar, with arginine, which is basic and polar, at codon 573 of the JAK2 protein (p.Leu573Arg). This variant is not present in population databases (gnomAD no frequency). This variant has not been reported in the literature in individuals affected with JAK2-related conditions. Invitae Evidence Modeling of protein sequence and biophysical properties (such as structural, functional, and spatial information, amino acid conservation, physicochemical variation, residue mobility, and thermodynamic stability) indicates that this missense variant is not expected to disrupt JAK2 protein function with a negative predictive value of 80%. In summary, the available evidence is currently insufficient to determine the role of this variant in disease. Therefore, it has been classified as a Variant of Uncertain Significance.